The following is an entry in ClinVar:

NC_000009.12:g.35658038_35658039delinsCG

Gene: RMRP (RNA component of mitochondrial RNA processing endoribonuclease; minus strand). Cytogenetic location: 9p13.3.
Variant type: Indel.
Genome position: GRCh38 VCF-style: chr9-35658038-GT-CG. GRCh37 (hg19) VCF-style: chr9-35658035-GT-CG.
Identifiers: ClinVar variation 2167627 (VCV002167627.1), dbSNP rs2490604466, ClinGen allele CA2580080481.

ClinVar aggregate classification (germline): Uncertain significance (1 of 4 stars; one submission).

Conditions:
Anauxetic dysplasia. Identifiers: Orphanet 93347, MedGen C1846796, MONDO:0011773.

Submission:

Labcorp Genetics (formerly Invitae), Labcorp
Classification: Uncertain significance for Anauxetic dysplasia. Last evaluated: 2022-05-30. Review status: criteria provided, single submitter. Criteria: Invitae Variant Classification Sherloc (09022015). Collection method: clinical testing. Allele origin: germline.
Comment: This variant occurs in the RMRP gene, which encodes an RNA molecule that does not result in a protein product. Information on the frequency of this variant in the gnomAD database is not available, as this variant may be reported differently in the database. This variant has not been reported in the literature in individuals affected with RMRP-related conditions. Experimental studies and prediction algorithms are not available or were not evaluated, and the functional significance of this variant is currently unknown. In summary, the available evidence is currently insufficient to determine the role of this variant in disease. Therefore, it has been classified as a Variant of Uncertain Significance.